The following is an entry in ClinVar:

NM_001229.5(CASP9):c.453+8T>C

Gene: CASP9 (caspase 9; minus strand). Cytogenetic location: 1p36.21.
Variant type: single nucleotide variant.
Coding change: c.453+8T>C on transcript NM_001229.5 (MANE Select); 8 bases into the intron after coding-DNA position 453, T replaced by C.
Molecular consequence: intron variant.
Genome position (GRCh38, 1-based): chr1:15,507,865, A>G on the plus strand (T>C on the coding strand, the complement: CASP9 is on the minus strand). VCF-style: chr1-15507865-A-G. GRCh37 (hg19) VCF-style: chr1-15834360-A-G.
Other names: c.204+8T>C (NM_032996.3); c.418+10245T>C (NM_001278054.2).
Identifiers: ClinVar variation 3060608 (VCV003060608.2), dbSNP rs2020902, ClinGen allele CA614607.

ClinVar aggregate classification (germline): Benign (0 of 4 stars; one submission).

Conditions:
CASP9-related disorder. Also called: CASP9-related condition.

Allele frequency attached by ClinVar (database versions not stated): 1000 Genomes Project 0.09285; 1000 Genomes Project 30x 0.09510; TOPMed 0.11781; ExAC 0.12247; gnomAD 0.12266; ESP Exome Variant Server 0.12425; gnomAD exomes 0.13639.

Submission:

PreventionGenetics, part of Exact Sciences
Classification: Benign for CASP9-related condition. Last evaluated: 2019-11-25. Review status: no assertion criteria provided. Collection method: clinical testing. Allele origin: germline.
Comment: This variant is classified as benign based on ACMG/AMP sequence variant interpretation guidelines (Richards et al. 2015 PMID: 25741868, with internal and published modifications).